The following is an entry in ClinVar:

ClinVar aggregate classification (germline): Uncertain significance (1 of 4 stars; one submission).

Submission:

Labcorp Genetics (formerly Invitae), Labcorp
Classification: Uncertain significance. Last evaluated: 2026-01-15. Review status: criteria provided, single submitter. Criteria: Invitae Variant Classification Sherloc (09022015). Collection method: clinical testing. Allele origin: germline.
Comment: This sequence change replaces lysine, which is basic and polar, with glutamine, which is neutral and polar, at codon 1843 of the ALPK3 protein (p.Lys1843Gln). This variant is not present in population databases (gnomAD no frequency). This variant has not been reported in the literature in individuals affected with ALPK3-related conditions. ClinVar contains an entry for this variant (Variation ID: 1522797). Invitae Evidence Modeling of protein sequence and biophysical properties (such as structural, functional, and spatial information, amino acid conservation, physicochemical variation, residue mobility, and thermodynamic stability) indicates that this missense variant is expected to disrupt ALPK3 protein function with a positive predictive value of 80%. In summary, the available evidence is currently insufficient to determine the role of this variant in disease. Therefore, it has been classified as a Variant of Uncertain Significance.

NM_020778.5(ALPK3):c.4921A>C (p.Lys1641Gln)

Gene: ALPK3 (alpha kinase 3; plus strand). Cytogenetic location: 15q25.3.
Variant type: single nucleotide variant.
Coding change: c.4921A>C on transcript NM_020778.5 (MANE Select); coding-DNA position 4921, A replaced by C.
Protein change: p.Lys1641Gln; replaces lysine 1641 with glutamine.
Molecular consequence: missense variant.
Genome position (GRCh38, 1-based): chr15:84,868,259, A>C. VCF-style: chr15-84868259-A-C. GRCh37 (hg19) VCF-style: chr15-85411490-A-C.
Other names: short protein forms K1641Q.
Identifiers: ClinVar variation 1522797 (VCV001522797.6), dbSNP rs1596159542, ClinGen allele CA393365888.